The following is an entry in ClinVar:

NM_015978.3(TNNI3K):c.2352-3C>T

Genes: TNNI3K (TNNI3 interacting kinase; plus strand), FPGT-TNNI3K (FPGT-TNNI3K readthrough; plus strand). Cytogenetic location: 1p31.1.
Variant type: single nucleotide variant.
Coding change: c.2352-3C>T on transcript NM_015978.3 (MANE Select); 3 bases into the intron before coding-DNA position 2352, C replaced by T.
Molecular consequence: intron variant.
Genome position (GRCh38, 1-based): chr1:74,540,231, C>T. VCF-style: chr1-74540231-C-T. GRCh37 (hg19) VCF-style: chr1-75005915-C-T.
Other names: c.2655-3C>T (NM_001112808.3).
Identifiers: ClinVar variation 1429292 (VCV001429292.7), dbSNP rs1035919084, ClinGen allele CA24575233.
Genomic context (GRCh38, chr1:74,540,231, plus strand): 5'-TGTTTATAAAAATGTTATTATCAGATCACCATACTGTGAAACTGTGTTTTATTAATTTTC[C>T]AGTGCTGGACAATATTCCTCTCAAGGTCTGTCTTTGGAGGAGATGAAAAGAAGTCTTCAA-3'

ClinVar aggregate classification (germline): Uncertain significance (1 of 4 stars; one submission).

Allele frequency attached by ClinVar (database versions not stated): gnomAD 0.00001; gnomAD exomes 0.00001; TOPMed 0.00001.
gnomAD v4.1: 9 of 1,609,984 alleles (0.00056%); highest among the groups gnomAD compares: East Asian, 0.0067%; no homozygotes.

Submission:

Labcorp Genetics (formerly Invitae), Labcorp
Classification: Uncertain significance. Last evaluated: 2024-04-15. Review status: criteria provided, single submitter. Criteria: Invitae Variant Classification Sherloc (09022015). Collection method: clinical testing. Allele origin: germline.
Comment: This sequence change falls in intron 23 of the TNNI3K gene. It does not directly change the encoded amino acid sequence of the TNNI3K protein. It affects a nucleotide within the consensus splice site. This variant is present in population databases (no rsID available, gnomAD 0.06%). This variant has not been reported in the literature in individuals affected with TNNI3K-related conditions. ClinVar contains an entry for this variant (Variation ID: 1429292). Variants that disrupt the consensus splice site are a relatively common cause of aberrant splicing (PMID: 17576681, 9536098). Algorithms developed to predict the effect of sequence changes on RNA splicing suggest that this variant is not likely to affect RNA splicing. In summary, the available evidence is currently insufficient to determine the role of this variant in disease. Therefore, it has been classified as a Variant of Uncertain Significance.

Literature cited by the submitters: PubMed 17576681; PubMed 9536098.